The following is an entry in ClinVar:

NM_004006.3(DMD):c.6082T>G (p.Phe2028Val)

Gene: DMD (dystrophin; minus strand). Cytogenetic location: Xp21.1.
Variant type: single nucleotide variant.
Coding change: c.6082T>G on transcript NM_004006.3 (MANE Select); coding-DNA position 6082, T replaced by G.
Protein change: p.Phe2028Val; replaces phenylalanine 2028 with valine.
Molecular consequence: missense variant.
Genome position (GRCh38, 1-based): chrX:32,310,117, A>C on the plus strand (T>G on the coding strand, the complement: DMD is on the minus strand). VCF-style: chrX-32310117-A-C. GRCh37 (hg19) VCF-style: chrX-32328234-A-C.
Other names: c.6058T>G, p.Phe2020Val (NM_000109.4); c.6070T>G, p.Phe2024Val (NM_004009.3); c.5713T>G, p.Phe1905Val (NM_004010.3); c.2059T>G, p.Phe687Val (NM_004011.4); c.2050T>G, p.Phe684Val (NM_004012.4); short protein forms F1905V, F2024V, F2020V, F687V, F2028V, F684V.
Identifiers: ClinVar variation 861554 (VCV000861554.10), dbSNP rs2097556386, ClinGen allele CA412669615.
Genomic context (GRCh38, chrX:32,310,117, plus strand): 5'-ACGAATGAAAGTGCTTTGGTTTTACCTTCAGAGACTCCTCTTGCTTAAAGAGATCTTCAA[A>C]GTCCTTAGCACAGAGGTCAGGAGCATTGAGAAGTTGTTCCACTTCTAATAGGGCTTGTGA-3'
Protein context (NP_003997.2, residues 2018-2038): LNAPDLCAKD[Phe2028Val]EDLFKQEESL

ClinVar aggregate classification (germline): Uncertain significance. Review status: criteria provided, multiple submitters, no conflicts (2 of 4 stars). 3 submissions from 3 submitters: Uncertain significance (2). 1 of the submissions does not count toward it. Last evaluated 2021-08-26.

Conditions:
Duchenne muscular dystrophy (DMD). Also called: Duchenne Muscular Dystrophy (DMD); MUSCULAR DYSTROPHY, PSEUDOHYPERTROPHIC PROGRESSIVE, DUCHENNE TYPE. Identifiers: Orphanet 98896, MedGen C0013264, MONDO:0010679, OMIM 310200.
Dystrophin deficiency.
Becker muscular dystrophy (BMD). Also called: MUSCULAR DYSTROPHY, PSEUDOHYPERTROPHIC PROGRESSIVE, BECKER TYPE; Becker Muscular Dystrophy (BMD). Identifiers: Orphanet 98895, MedGen C0917713, MONDO:0010311, OMIM 300376.
Cardiomyopathy (CMYO). Also called: Cardiomyopathies. Identifiers: Orphanet 167848, MedGen C0878544, MONDO:0004994, HP:0001638. Inheritance: Various modes of inheritance.

Allele frequency attached by ClinVar (database versions not stated): gnomAD exomes below 0.00001.
gnomAD v4.1: 2 of 1,209,319 alleles (0.00017%); highest among the groups gnomAD compares: Non-Finnish European, 0.00022%; no homozygotes.

Submissions (3):

Labcorp Genetics (formerly Invitae), Labcorp
Classification: Uncertain significance for Duchenne muscular dystrophy. Last evaluated: 2021-08-26. Review status: criteria provided, single submitter. Criteria: Invitae Variant Classification Sherloc (09022015). Collection method: clinical testing. Allele origin: germline.
Comment: This sequence change replaces phenylalanine with valine at codon 2028 of the DMD protein (p.Phe2028Val). The phenylalanine residue is moderately conserved and there is a small physicochemical difference between phenylalanine and valine. This variant is not present in population databases (ExAC no frequency). This variant has not been reported in the literature in individuals affected with DMD-related conditions. Algorithms developed to predict the effect of missense changes on protein structure and function are either unavailable or do not agree on the potential impact of this missense change (SIFT: "Tolerated"; PolyPhen-2: "Possibly Damaging"; Align-GVGD: "Class C0"). In summary, the available evidence is currently insufficient to determine the role of this variant in disease. Therefore, it has been classified as a Variant of Uncertain Significance.

Revvity Omics, Revvity
Classification: Uncertain significance. Last evaluated: 2019-02-21. Review status: criteria provided, single submitter. Criteria: ACMG Guidelines, 2015. Collection method: clinical testing. Allele origin: germline.

Natera, Inc.
Classification: Uncertain significance for Becker muscular dystrophy; Cardiomyopathy; Duchenne muscular dystrophy; Dystrophin deficiency. Last evaluated: 2021-02-28. Review status: no assertion criteria provided. Collection method: clinical testing. Allele origin: germline. Not counted in ClinVar's aggregate classification.